The following is an entry in ClinVar:

ClinVar aggregate classification (germline): Likely benign (0 of 4 stars; one submission).

Conditions:
GLI3-related disorder. Also called: GLI3-related condition; GLI3-related disorders. Identifiers: MedGen CN239292.

Allele frequency attached by ClinVar (database versions not stated): gnomAD exomes below 0.00001; ExAC 0.00001; gnomAD 0.00003; TOPMed 0.00005; ESP Exome Variant Server 0.00008.
gnomAD v4.1: 6 of 1,613,756 alleles (0.00037%); highest among the groups gnomAD compares: African/African-American, 0.008%; no homozygotes.

Submission:

PreventionGenetics, part of Exact Sciences
Classification: Likely benign for GLI3-related condition. Last evaluated: 2021-03-09. Review status: no assertion criteria provided. Collection method: clinical testing. Allele origin: germline.
Comment: This variant is classified as likely benign based on ACMG/AMP sequence variant interpretation guidelines (Richards et al. 2015 PMID: 25741868, with internal and published modifications).

NM_000168.6(GLI3):c.4080A>G (p.Pro1360=)

Gene: GLI3 (GLI family zinc finger 3; minus strand). Cytogenetic location: 7p14.1.
Variant type: single nucleotide variant.
Coding change: c.4080A>G on transcript NM_000168.6 (MANE Select); coding-DNA position 4080, A replaced by G.
Protein change: p.Pro1360=; no amino-acid change (proline 1360 retained).
Molecular consequence: synonymous variant.
Genome position (GRCh38, 1-based): chr7:41,964,993, T>C on the plus strand (A>G on the coding strand, the complement: GLI3 is on the minus strand). VCF-style: chr7-41964993-T-C. GRCh37 (hg19) VCF-style: chr7-42004591-T-C.
Identifiers: ClinVar variation 3032414 (VCV003032414.2), dbSNP rs147379052, ClinGen allele CA4230194.